The following is an entry in ClinVar:

NM_004958.4(MTOR):c.2896C>T (p.His966Tyr)

Gene: MTOR (mechanistic target of rapamycin kinase; minus strand). Cytogenetic location: 1p36.22.
Variant type: single nucleotide variant.
Coding change: c.2896C>T on transcript NM_004958.4 (MANE Select); coding-DNA position 2896, C replaced by T.
Protein change: p.His966Tyr; replaces histidine 966 with tyrosine.
Molecular consequence: missense variant.
Genome position (GRCh38, 1-based): chr1:11,228,802, G>A on the plus strand (C>T on the coding strand, the complement: MTOR is on the minus strand). VCF-style: chr1-11228802-G-A. GRCh37 (hg19) VCF-style: chr1-11288859-G-A.
Other names: c.2896C>T, p.His966Tyr (NM_001386500.1); c.1648C>T, p.His550Tyr (NM_001386501.1); short protein forms H966Y, H550Y.
Identifiers: ClinVar variation 3706330 (VCV003706330.2).

ClinVar aggregate classification (germline): Uncertain significance (1 of 4 stars; one submission).

gnomAD v4.1: 5 of 1,614,140 alleles (0.00031%); highest among the groups gnomAD compares: Non-Finnish European, 0.00042%; no homozygotes.

Submission:

Labcorp Genetics (formerly Invitae), Labcorp
Classification: Uncertain significance. Last evaluated: 2024-12-17. Review status: criteria provided, single submitter. Criteria: Invitae Variant Classification Sherloc (09022015). Collection method: clinical testing. Allele origin: germline.
Comment: This sequence change replaces histidine, which is basic and polar, with tyrosine, which is neutral and polar, at codon 966 of the MTOR protein (p.His966Tyr). This variant is present in population databases (no rsID available, gnomAD 0.0009%). This variant has not been reported in the literature in individuals affected with MTOR-related conditions. Invitae Evidence Modeling of protein sequence and biophysical properties (such as structural, functional, and spatial information, amino acid conservation, physicochemical variation, residue mobility, and thermodynamic stability) indicates that this missense variant is not expected to disrupt MTOR protein function with a negative predictive value of 95%. In summary, the available evidence is currently insufficient to determine the role of this variant in disease. Therefore, it has been classified as a Variant of Uncertain Significance.